The following is an entry in ClinVar:

NM_000396.4(CTSK):c.377_378del (p.Tyr126fs)

Gene: CTSK (cathepsin K; minus strand). Cytogenetic location: 1q21.3.
Variant type: Microsatellite.
Coding change: c.377_378del on transcript NM_000396.4 (MANE Select); coding-DNA positions 377 to 378, 2 bases deleted (AT; older notation c.377_378delAT).
Protein change: p.Tyr126fs; shifts the reading frame from tyrosine 126.
Molecular consequence: frameshift variant.
Genome position (GRCh38, 1-based): chr1:150,805,882-150,805,883, AT deleted on the plus strand (AT on the coding strand, the reverse complement: CTSK is on the minus strand); deleting any 2 consecutive bases within chr1:150,805,882-150,805,885 gives the same sequence; the c. name uses the placement nearest the transcript's 3' end. VCF-style (leftmost placement, unchanged base first): chr1-150805881-CAT-C. GRCh37 (hg19) VCF-style: chr1-150778357-CAT-C.
Other names: short protein forms Y126fs.
Identifiers: ClinVar variation 1072521 (VCV001072521.7), dbSNP rs2101953162, ClinGen allele CA2580611200.

ClinVar aggregate classification (germline): Pathogenic (1 of 4 stars; one submission).

Submission:

Labcorp Genetics (formerly Invitae), Labcorp
Classification: Pathogenic. Last evaluated: 2023-03-18. Review status: criteria provided, single submitter. Criteria: Invitae Variant Classification Sherloc (09022015). Collection method: clinical testing. Allele origin: germline.
Comment: For these reasons, this variant has been classified as Pathogenic. This variant has not been reported in the literature in individuals affected with CTSK-related conditions. This variant is not present in population databases (gnomAD no frequency). This sequence change creates a premature translational stop signal (p.Tyr126Cysfs*17) in the CTSK gene. It is expected to result in an absent or disrupted protein product. Loss-of-function variants in CTSK are known to be pathogenic (PMID: 12125807, 21569238).

Literature cited by the submitters: PubMed 12125807; PubMed 21569238.